The following is an entry in ClinVar:

NM_001127222.2(CACNA1A):c.1085A>G (p.Glu362Gly)

Gene: CACNA1A (calcium voltage-gated channel subunit alpha1 A; minus strand). Cytogenetic location: 19p13.13.
Variant type: single nucleotide variant.
Coding change: c.1085A>G on transcript NM_001127222.2 (MANE Select); coding-DNA position 1085, A replaced by G.
Protein change: p.Glu362Gly; replaces glutamic acid 362 with glycine.
Molecular consequence: missense variant.
Genome position (GRCh38, 1-based): chr19:13,334,491, T>C on the plus strand (A>G on the coding strand, the complement: CACNA1A is on the minus strand). VCF-style: chr19-13334491-T-C. GRCh37 (hg19) VCF-style: chr19-13445305-T-C.
Other names: c.1085A>G, p.Glu362Gly (NM_000068.4, NM_001127221.2, NM_001174080.2 and 1 more transcripts); short protein forms E362G.
Identifiers: ClinVar variation 3906291 (VCV003906291.1).
Genomic context (GRCh38, chr19:13,334,491, plus strand): 5'-TGCCGCCTCAGCTTCAGAAAAGCCCGCCGGTTCTCCACCCGTTCCCTTTCTTTGGCAAAC[T>C]CCCTGGAGAAGCATAGAAAAGCCAGAGTATGGCTGTTTTGAAAATGTTAGGAAACGTTTG-3'
Protein context (NP_001120694.1, residues 352-372): LNLVLGVLSG[Glu362Gly]FAKERERVEN

ClinVar aggregate classification (germline): Uncertain significance (1 of 4 stars; one submission).

Submission:

GeneDx
Classification: Uncertain significance. Last evaluated: 2024-12-17. Review status: criteria provided, single submitter. Criteria: GeneDx Variant Classification Process June 2021. Collection method: clinical testing. Allele origin: germline. Affected: yes.
Comment: Not observed at significant frequency in large population cohorts (gnomAD); In silico analysis supports that this missense variant has a deleterious effect on protein structure/function; Has not been previously published as pathogenic or benign to our knowledge